The following is an entry in ClinVar:

NM_004409.5(DMPK):c.*224CTG[124]

Genes: DM1-AS (DM1 locus antisense RNA; plus strand), DMPK (DM1 protein kinase; minus strand), LOC107075317 (origin of replication in DMPK trinucleotide repeat region; plus strand), LOC109461477 (dystrophia myotonica protein kinase repeat instability region; plus strand). Cytogenetic location: 19q13.32.
Variant type: Microsatellite.
Coding change: c.*224CTG[124] on transcript NM_004409.5 (MANE Select); 124 copies in a row of the 3-base unit CTG starting at c.*224.
Molecular consequence: 3 prime UTR variant.
Genome position: GRCh38, VCF-style position (the base before the change): chr19:45,770,204. GRCh37 (hg19), VCF-style position (the base before the change): chr19:46,273,462.
Other names: DM1 CTG repeat expansion; c.*224CTG[124] (NM_001081560.3, NM_001288764.2, NM_001424165.1 and 1 more transcripts); c.*217CTG[124] (NM_001081562.3, NM_001288765.2, NM_001424162.1 and 2 more transcripts); c.*222_*224TGC[124] (NM_001081563.3); c.*369CTG[124] (NM_001288766.2, NM_001424164.1, NM_001424168.1).
Identifiers: ClinVar variation 187917 (VCV000187917.1), ClinGen allele CA915951713.

ClinVar aggregate classification (germline): Pathogenic (0 of 4 stars; one submission).

Conditions:
Steinert myotonic dystrophy syndrome (DM1). Also called: STEINERT DISEASE; Myotonic dystrophy type 1; Dystrophia myotonica type 1; Steinert myotonic dystrophy; Steinert's disease. Identifiers: Orphanet 273, MedGen C3250443, MONDO:0008056, OMIM 160900.

Submission:

Institute of Molecular, Cell and Systems Biology, University of Glasgow
Classification: Pathogenic for Steinert myotonic dystrophy syndrome. Review status: no assertion criteria provided. Criteria: research. Collection method: research. Allele origin: germline. Inheritance: Autosomal dominant inheritance. Affected: no. Observed: 1 heterozygote.
Comment: DMPK CTG repeat expansions greater than approximately 45-50 repeats are assumed to be pathogenic

This record is based on data published in PubMed 25052313, which reports only ClinVar accessions SCV000120188 and SCV000120189. The complete data set includes SCV000207445 - SCV000207579.

Literature cited by the submitters: PubMed 1346923; PubMed 1546326; PubMed 25052313.